The following is an entry in ClinVar:

ClinVar aggregate classification (germline): Likely benign (1 of 4 stars; one submission).

Conditions:
DOCK6-related disorder. Also called: DOCK6-related condition.

gnomAD v4.1: 153 of 1,613,836 alleles (0.0095%); highest among the groups gnomAD compares: Admixed American, 0.005%; no homozygotes.

Submission:

PreventionGenetics, part of Exact Sciences
Classification: Likely benign for DOCK6-related condition. Last evaluated: 2025-11-13. Review status: criteria provided, single submitter. Criteria: ACMG Guidelines, 2015. Collection method: clinical testing. Allele origin: germline.
Comment: This variant is classified as likely benign based on ACMG/AMP sequence variant interpretation guidelines (Richards et al. 2015 PMID: 25741868, with internal and published modifications).

NM_020812.4(DOCK6):c.5275G>A (p.Ala1759Thr)

Gene: DOCK6 (dedicator of cytokinesis 6; minus strand). Cytogenetic location: 19p13.2.
Variant type: single nucleotide variant.
Coding change: c.5275G>A on transcript NM_020812.4 (MANE Select); coding-DNA position 5275, G replaced by A.
Protein change: p.Ala1759Thr; replaces alanine 1759 with threonine.
Molecular consequence: missense variant.
Genome position (GRCh38, 1-based): chr19:11,202,670, C>T on the plus strand (G>A on the coding strand, the complement: DOCK6 is on the minus strand). VCF-style: chr19-11202670-C-T. GRCh37 (hg19) VCF-style: chr19-11313346-C-T.
Other names: c.5380G>A, p.Ala1794Thr (NM_001367830.1); short protein forms A1794T, A1759T.
Identifiers: ClinVar variation 4983084 (VCV004983084.1).